The following is an entry in ClinVar:

ClinVar aggregate classification (germline): Likely pathogenic (1 of 4 stars; one submission).

Conditions:
Primary ciliary dyskinesia. Also called: Ciliary dyskinesia. Identifiers: Orphanet 244, MedGen C0008780, MONDO:0016575, HP:0012265.

Allele frequency attached by ClinVar (database versions not stated): TOPMed 0.00001.

Submission:

Labcorp Genetics (formerly Invitae), Labcorp
Classification: Likely pathogenic for Primary ciliary dyskinesia. Last evaluated: 2024-05-21. Review status: criteria provided, single submitter. Criteria: Invitae Variant Classification Sherloc (09022015). Collection method: clinical testing. Allele origin: germline.
Comment: This sequence change affects a donor splice site in intron 21 of the DNAH8 gene. It is expected to disrupt RNA splicing. Variants that disrupt the donor or acceptor splice site typically lead to a loss of protein function (PMID: 16199547), and loss-of-function variants in DNAH8 are known to be pathogenic (PMID: 24307375, 32619401, 32681648). This variant is not present in population databases (gnomAD no frequency). This variant has not been reported in the literature in individuals affected with DNAH8-related conditions. Algorithms developed to predict the effect of sequence changes on RNA splicing suggest that this variant may disrupt the consensus splice site. In summary, the currently available evidence indicates that the variant is pathogenic, but additional data are needed to prove that conclusively. Therefore, this variant has been classified as Likely Pathogenic.

Literature cited by the submitters: PubMed 16199547; PubMed 24307375; PubMed 32619401; PubMed 32681648.

NM_001206927.2(DNAH8):c.2901+1G>A

Gene: DNAH8 (dynein axonemal heavy chain 8; plus strand). Cytogenetic location: 6p21.2.
Variant type: single nucleotide variant.
Coding change: c.2901+1G>A on transcript NM_001206927.2 (MANE Select); the canonical splice donor site of the intron after coding-DNA position 2901, G replaced by A.
Molecular consequence: splice donor variant.
Genome position (GRCh38, 1-based): chr6:38,791,675, G>A. VCF-style: chr6-38791675-G-A. GRCh37 (hg19) VCF-style: chr6-38759451-G-A.
Other names: c.2250+1G>A (NM_001371.4).
Identifiers: ClinVar variation 2908936 (VCV002908936.3), dbSNP rs1769760726, ClinGen allele CA363991580.